The following continues an entry in ClinVar:

NM_001267550.2(TTN):c.98390A>G (p.Asn32797Ser)

ClinVar aggregate classification (germline): Conflicting classifications of pathogenicity. Uncertain significance (2); Benign (11); Likely benign (8).

Submissions 19 to 28 of 28:

Eurofins Ntd Llc (ga)
Classification: Benign. Last evaluated: 2015-08-10. Review status: criteria provided, single submitter. Criteria: EGL Classification Definitions 2015. Collection method: clinical testing. Allele origin: germline. Observed: 1 variant allele, 1 heterozygote.

GeneDx
Classification: Benign. Last evaluated: 2013-01-31. Review status: criteria provided, single submitter. Criteria: GeneDx Variant Classification (06012015). Collection method: clinical testing. Allele origin: germline. Affected: yes.
Comment: This variant is considered likely benign or benign based on one or more of the following criteria: it is a conservative change, it occurs at a poorly conserved position in the protein, it is predicted to be benign by multiple in silico algorithms, and/or has population frequency not consistent with disease.

PreventionGenetics, part of Exact Sciences
Classification: Likely benign. Review status: criteria provided, single submitter. Criteria: ACMG Guidelines, 2015. Collection method: clinical testing. Allele origin: germline.

Clinical Genetics DNA and cytogenetics Diagnostics Lab, Erasmus MC, Erasmus Medical Center
Classification: Benign. Review status: no assertion criteria provided. Collection method: clinical testing. Allele origin: germline. Affected: yes. Study: VKGL Data-share Consensus. Not counted in ClinVar's aggregate classification.

Clinical Genetics, Academic Medical Center
Classification: Benign. Review status: no assertion criteria provided. Collection method: clinical testing. Allele origin: germline. Affected: yes. Study: VKGL Data-share Consensus. Not counted in ClinVar's aggregate classification.

Diagnostic Laboratory, Department of Genetics, University Medical Center Groningen
Classification: Likely benign. Review status: no assertion criteria provided. Collection method: clinical testing. Allele origin: germline. Affected: yes. Study: VKGL Data-share Consensus. Not counted in ClinVar's aggregate classification.

Genetic Services Laboratory, University of Chicago
Classification: Likely benign for AllHighlyPenetrant. Review status: no assertion criteria provided. Collection method: clinical testing. Allele origin: germline. Not counted in ClinVar's aggregate classification.
Comment: Likely benign based on allele frequency in 1000 Genomes Project or ESP global frequency and its presence in a patient with a rare or unrelated disease phenotype. NOT Sanger confirmed.

Genome Diagnostics Laboratory, University Medical Center Utrecht
Classification: Benign. Review status: no assertion criteria provided. Collection method: clinical testing. Allele origin: germline. Affected: yes. Study: VKGL Data-share Consensus. Not counted in ClinVar's aggregate classification.

Joint Genome Diagnostic Labs from Nijmegen and Maastricht, Radboudumc and MUMC+
Classification: Benign. Review status: no assertion criteria provided. Collection method: clinical testing. Allele origin: germline. Affected: yes. Study: VKGL Data-share Consensus. Not counted in ClinVar's aggregate classification.

Laboratory of Diagnostic Genome Analysis, Leiden University Medical Center (LUMC)
Classification: Likely benign. Review status: no assertion criteria provided. Collection method: clinical testing. Allele origin: germline. Affected: yes. Study: VKGL Data-share Consensus. Not counted in ClinVar's aggregate classification.

Literature cited by the submitters: PubMed 25145518 (cited by Illumina Laboratory Services, Illumina).